The following is an entry in ClinVar:

NM_015450.3(POT1):c.875T>C (p.Leu292Ser)

Gene: POT1 (protection of telomeres 1; minus strand). Cytogenetic location: 7q31.33.
Variant type: single nucleotide variant.
Coding change: c.875T>C on transcript NM_015450.3 (MANE Select); coding-DNA position 875, T replaced by C.
Protein change: p.Leu292Ser; replaces leucine 292 with serine.
Molecular consequence: missense variant. On other transcripts: non-coding transcript variant (3).
Genome position (GRCh38, 1-based): chr7:124,851,946, A>G on the plus strand (T>C on the coding strand, the complement: POT1 is on the minus strand). VCF-style: chr7-124851946-A-G. GRCh37 (hg19) VCF-style: chr7-124492000-A-G.
Other names: c.482T>C, p.Leu161Ser (NM_001042594.2); short protein forms L161S, L292S.
Identifiers: ClinVar variation 4673387 (VCV004673387.1).
Genomic context (GRCh38, chr7:124,851,946, plus strand): 5'-TCAGGTTCTGATTGACAGATAACATCTGAATGCTGATTGGCTGTCAAATTTGCAGATTCT[A>G]AATCCCTATAATTGAAAGAATACAATTTCAAATTGCATAAAACAAAGTCAATATAGTAAA-3'
Protein context (NP_056265.2, residues 282-302): NSDVDQLKKD[Leu292Ser]ESANLTANQH

ClinVar aggregate classification (germline): Uncertain significance (1 of 4 stars; one submission).

Conditions:
Hereditary cancer-predisposing syndrome. Also called: Neoplastic Syndromes, Hereditary; Tumor predisposition; Hereditary Cancer Syndrome; Hereditary neoplastic syndrome. Identifiers: Orphanet 140162, MedGen C0027672, MeSH D009386, MONDO:0015356.

Submission:

Ambry Genetics
Classification: Uncertain significance for Hereditary cancer-predisposing syndrome. Last evaluated: 2025-09-16. Review status: criteria provided, single submitter. Criteria: Ambry Variant Classification Scheme 2023. Collection method: clinical testing. Allele origin: germline.
Comment: The p.L292S variant (also known as c.875T>C), located in coding exon 7 of the POT1 gene, results from a T to C substitution at nucleotide position 875. The leucine at codon 292 is replaced by serine, an amino acid with dissimilar properties. This amino acid position is conserved. In addition, the in silico prediction for this alteration is inconclusive. Based on the available evidence, the clinical significance of this variant remains unclear.